The following is an entry in ClinVar:

ClinVar aggregate classification (germline): Uncertain significance (1 of 4 stars; one submission).

Conditions:
Inborn genetic diseases. Identifiers: MedGen C0950123, MeSH D030342.

gnomAD v4.1: 2 of 1,612,104 alleles (0.00012%); highest among the groups gnomAD compares: African/African-American, 0.0013%; no homozygotes.

Submission:

Ambry Genetics
Classification: Uncertain significance for Inborn genetic diseases. Last evaluated: 2024-11-25. Review status: criteria provided, single submitter. Criteria: Ambry Variant Classification Scheme 2023. Collection method: clinical testing. Allele origin: germline.
Comment: The p.I373F variant (also known as c.1117A>T), located in coding exon 12 of the RTEL1 gene, results from an A to T substitution at nucleotide position 1117. The isoleucine at codon 373 is replaced by phenylalanine, an amino acid with highly similar properties. This amino acid position is conserved. In addition, the in silico prediction for this alteration is inconclusive. Based on the available evidence, the clinical significance of this variant remains unclear.

NM_001283009.2(RTEL1):c.1117A>T (p.Ile373Phe)

Genes: RTEL1 (regulator of telomere elongation helicase 1; plus strand), RTEL1-TNFRSF6B (RTEL1-TNFRSF6B readthrough (NMD candidate); plus strand). Cytogenetic location: 20q13.33.
Variant type: single nucleotide variant.
Coding change: c.1117A>T on transcript NM_001283009.2 (MANE Select); coding-DNA position 1117, A replaced by T.
Protein change: p.Ile373Phe; replaces isoleucine 373 with phenylalanine.
Molecular consequence: missense variant. On other transcripts: non-coding transcript variant (1).
Genome position (GRCh38, 1-based): chr20:63,679,928, A>T. VCF-style: chr20-63679928-A-T. GRCh37 (hg19) VCF-style: chr20-62311281-A-T.
Other names: c.448A>T, p.Ile150Phe (NM_001283010.1); c.1117A>T, p.Ile373Phe (NM_016434.4); c.1189A>T, p.Ile397Phe (NM_032957.5); short protein forms I150F, I397F, I373F.
Identifiers: ClinVar variation 3435979 (VCV003435979.1).